The following is an entry in ClinVar:

NM_006885.4(ZFHX3):c.5196A>G (p.Gln1732=)

Genes: ZFHX3 (zinc finger homeobox 3; minus strand), ZFHX3-AS1 (ZFHX3 antisense RNA 1; plus strand). Cytogenetic location: 16q22.2.
Variant type: single nucleotide variant.
Coding change: c.5196A>G on transcript NM_006885.4 (MANE Select); coding-DNA position 5196, A replaced by G.
Protein change: p.Gln1732=; no amino-acid change (glutamine 1732 retained).
Molecular consequence: synonymous variant.
Genome position (GRCh38, 1-based): chr16:72,797,486, T>C on the plus strand (A>G on the coding strand, the complement: ZFHX3 is on the minus strand). VCF-style: chr16-72797486-T-C. GRCh37 (hg19) VCF-style: chr16-72831385-T-C.
Other names: c.2454A>G, p.Gln818= (NM_001164766.2); c.5196A>G, p.Gln1732= (NM_001386735.1).
Identifiers: ClinVar variation 3053186 (VCV003053186.13), dbSNP rs935823335, ClinGen allele CA8163653.
Genomic context (GRCh38, chr16:72,797,486, plus strand): 5'-AACTTGAGCCTGGGCCTGGGCCAGCGTTTGTGCTTGTTGTTGTTGTTGTTGTTGTTGTTG[T>C]TGCTGTTGCTGCTGCTGTTGTTGCTGCTGCCTGGATGCAATCATATCTGCCAGTTTCTTC-3'
Protein context (NP_008816.3, residues 1722-1742): RQQQQQQQQQ[Gln1732=]QQQQQQQQQA

ClinVar aggregate classification (germline): Likely benign. Review status: criteria provided, multiple submitters, no conflicts (2 of 4 stars). 3 submissions from 3 submitters: Likely benign (2). 1 of the submissions does not count toward it. Last evaluated 2026-03-01.

Conditions:
ZFHX3-related disorder. Also called: ZFHX3-related condition.

Allele frequency attached by ClinVar (database versions not stated): TOPMed 0.00005; gnomAD 0.00007; gnomAD exomes 0.00018; ExAC 0.00037.
gnomAD v4.1: 275 of 1,610,738 alleles (0.017%); highest among the groups gnomAD compares: South Asian, 0.21%; 2 homozygotes.

Submissions (3):

CeGaT Center for Human Genetics Tuebingen
Classification: Likely benign. Last evaluated: 2026-03-01. Review status: criteria provided, single submitter. Criteria: CeGaT Center For Human Genetics Tuebingen Variant Classification Criteria Version 2. Collection method: clinical testing. Allele origin: germline. Affected: yes. Observed: 2 variant alleles.
Comment: ZFHX3: BP4, BP7

Blueprint Genetics
Classification: Likely benign. Last evaluated: 2024-09-23. Review status: criteria provided, single submitter. Criteria: ACMG Guidelines, 2015. Collection method: clinical testing. Allele origin: germline.

PreventionGenetics, part of Exact Sciences
Classification: Likely benign for ZFHX3-related condition. Last evaluated: 2019-08-21. Review status: no assertion criteria provided. Collection method: clinical testing. Allele origin: germline. Not counted in ClinVar's aggregate classification.
Comment: This variant is classified as likely benign based on ACMG/AMP sequence variant interpretation guidelines (Richards et al. 2015 PMID: 25741868, with internal and published modifications).